The following is an entry in ClinVar:

ClinVar aggregate classification (germline): Pathogenic (1 of 4 stars; one submission).

Submission:

ARUP Laboratories, Molecular Genetics and Genomics, ARUP Laboratories
Classification: Pathogenic. Last evaluated: 2023-04-24. Review status: criteria provided, single submitter. Criteria: ARUP Molecular Germline Variant Investigation Process 2024. Collection method: clinical testing. Allele origin: germline.
Comment: The VWF c.3231del; p.Glu1078SerfsTer41 variant, to our knowledge, is not reported in the medical literature or gene specific databases. This variant is also absent from the Genome Aggregation Database, indicating it is not a common polymorphism. This variant causes a frameshift by deleting a single nucleotide, so it is predicted to result in a truncated protein or mRNA subject to nonsense-mediated decay. Based on available information, this variant is considered to be pathogenic.

NM_000552.5(VWF):c.3231del (p.Glu1078fs)

Gene: VWF (von Willebrand factor; minus strand). Cytogenetic location: 12p13.31.
Variant type: Deletion.
Coding change: c.3231del on transcript NM_000552.5 (MANE Select); coding-DNA position 3231, one base deleted (C; older notation c.3231delC).
Protein change: p.Glu1078fs; shifts the reading frame from glutamic acid 1078.
Molecular consequence: frameshift variant.
Genome position (GRCh38, 1-based): chr12:6,023,779, G deleted on the plus strand (C on the coding strand, the reverse complement: VWF is on the minus strand); the first of 4 consecutive G bases (chr12:6,023,779-6,023,782); deleting any one gives the same sequence. VCF-style (leftmost placement, unchanged base first): chr12-6023778-CG-C. GRCh37 (hg19) VCF-style: chr12-6132944-CG-C.
Other names: short protein forms E1078fs.
Identifiers: ClinVar variation 2920919 (VCV002920919.1), dbSNP rs2497529042, ClinGen allele CA2739271830.